The following is an entry in ClinVar:

ClinVar aggregate classification (germline): Likely benign (0 of 4 stars; one submission).

Conditions:
KDELR2-related disorder. Also called: KDELR2-related condition.

Allele frequency attached by ClinVar (database versions not stated): gnomAD exomes 0.00004; ExAC 0.00028; gnomAD 0.00056; TOPMed 0.00064; ESP Exome Variant Server 0.00088.

Submission:

PreventionGenetics, part of Exact Sciences
Classification: Likely benign for KDELR2-related condition. Last evaluated: 2023-07-28. Review status: no assertion criteria provided. Collection method: clinical testing. Allele origin: germline.
Comment: This variant is classified as likely benign based on ACMG/AMP sequence variant interpretation guidelines (Richards et al. 2015 PMID: 25741868, with internal and published modifications).

NM_006854.4(KDELR2):c.*177_*178del

Gene: KDELR2 (KDEL endoplasmic reticulum protein retention receptor 2; minus strand). Cytogenetic location: 7p22.1.
Variant type: Deletion.
Coding change: c.*177_*178del on transcript NM_006854.4 (MANE Select); 177 bases downstream of the stop codon through 178 bases downstream of the stop codon, 2 bases deleted (GC; older notation c.*177_*178delGC).
Molecular consequence: 3 prime UTR variant.
Genome position (GRCh38, 1-based): chr7:6,462,963-6,462,964, GC deleted on the plus strand (GC on the coding strand, the reverse complement: KDELR2 is on the minus strand). VCF-style (leftmost placement, unchanged base first): chr7-6462962-TGC-T. GRCh37 (hg19) VCF-style: chr7-6502593-TGC-T.
Other names: c.*2_*3del (NM_001100603.2).
Identifiers: ClinVar variation 3047071 (VCV003047071.2), dbSNP rs749159571, ClinGen allele CA4154901.